The following is an entry in ClinVar:

ClinVar aggregate classification (germline): Uncertain significance (1 of 4 stars; one submission).

gnomAD v4.1: 1 of 1,556,008 alleles (0.000064%); no homozygotes.

Submission:

GeneDx
Classification: Uncertain significance. Last evaluated: 2025-02-13. Review status: criteria provided, single submitter. Criteria: GeneDx Variant Classification Process June 2021. Collection method: clinical testing. Allele origin: germline. Affected: yes.
Comment: Not observed at significant frequency in large population cohorts (gnomAD); In silico analysis supports that this missense variant has a deleterious effect on protein structure/function; Has not been previously published as pathogenic or benign to our knowledge

NM_005257.6(GATA6):c.1274G>C (p.Arg425Pro)

Gene: GATA6 (GATA binding protein 6; plus strand). Cytogenetic location: 18q11.2.
Variant type: single nucleotide variant.
Coding change: c.1274G>C on transcript NM_005257.6 (MANE Select); coding-DNA position 1274, G replaced by C.
Protein change: p.Arg425Pro; replaces arginine 425 with proline.
Molecular consequence: missense variant.
Genome position (GRCh38, 1-based): chr18:22,177,093, G>C. VCF-style: chr18-22177093-G-C. GRCh37 (hg19) VCF-style: chr18-19757054-G-C.
Other names: short protein forms R425P.
Identifiers: ClinVar variation 4075623 (VCV004075623.1).